The following is an entry in ClinVar:

ClinVar aggregate classification (germline): Uncertain significance (1 of 4 stars; one submission).

Conditions:
Encephalopathy, acute, infection-induced (herpes-specific), susceptibility to, 1. Also called: Herpes simplex encephalitis, susceptibility to, 1. Identifiers: Orphanet 1930, MedGen C2750180, MONDO:0024563, OMIM 610551.

Allele frequency attached by ClinVar (database versions not stated): TOPMed below 0.00001.

Submission:

Labcorp Genetics (formerly Invitae), Labcorp
Classification: Uncertain significance for Encephalopathy, acute, infection-induced (herpes-specific), susceptibility to, 1. Last evaluated: 2023-09-19. Review status: criteria provided, single submitter. Criteria: Invitae Variant Classification Sherloc (09022015). Collection method: clinical testing. Allele origin: germline.
Comment: This variant has not been reported in the literature in individuals affected with TLR3-related conditions. This variant is present in population databases (no rsID available, gnomAD 0.003%). This sequence change replaces histidine, which is basic and polar, with leucine, which is neutral and non-polar, at codon 833 of the TLR3 protein (p.His833Leu). An algorithm developed to predict the effect of missense changes on protein structure and function (PolyPhen-2) suggests that this variant is likely to be disruptive. In summary, the available evidence is currently insufficient to determine the role of this variant in disease. Therefore, it has been classified as a Variant of Uncertain Significance.

NM_003265.3(TLR3):c.2498A>T (p.His833Leu)

Gene: TLR3 (toll like receptor 3; plus strand). Cytogenetic location: 4q35.1.
Variant type: single nucleotide variant.
Coding change: c.2498A>T on transcript NM_003265.3 (MANE Select); coding-DNA position 2498, A replaced by T.
Protein change: p.His833Leu; replaces histidine 833 with leucine.
Molecular consequence: missense variant.
Genome position (GRCh38, 1-based): chr4:186,084,656, A>T. VCF-style: chr4-186084656-A-T. GRCh37 (hg19) VCF-style: chr4-187005810-A-T.
Other names: short protein forms H833L.
Identifiers: ClinVar variation 2919490 (VCV002919490.3), dbSNP rs770237403, ClinGen allele CA112099768.
Genomic context (GRCh38, chr4:186,084,656, plus strand): 5'-TGGCTGTTAAAAACCGTATATTAATTCTTCAATACATTTTTTTACTTAGATTCAAGGTAC[A>T]TCATGCAGTTCAACAAGCTATTGAACAAAATCTGGATTCCATTATATTGGTTTTCCTTGA-3'
Protein context (NP_003256.1, residues 823-843): KDPLCKRFKV[His833Leu]HAVQQAIEQN